The following is an entry in ClinVar:

ClinVar aggregate classification (germline): Conflicting classifications of pathogenicity. Review status: criteria provided, conflicting classifications (1 of 4 stars). 7 submissions from 7 submitters: Uncertain significance (4); Likely benign (1). 2 of the submissions do not count toward it. Last evaluated 2026-02-03.

Conditions:
TTN-related disorder. Also called: TTN-related condition; TTN-related disease; TTN-related disorders.
Dilated cardiomyopathy 1G (CMD1G). Identifiers: Orphanet 154, MedGen C1858763, MONDO:0011400, OMIM 604145.
Autosomal recessive limb-girdle muscular dystrophy type 2J (LGMDR10). Also called: Limb-girdle muscular dystrophy, type 2J; MUSCULAR DYSTROPHY, LIMB-GIRDLE, AUTOSOMAL RECESSIVE 10. Identifiers: Orphanet 140922, MedGen C1837342, MONDO:0012127, OMIM 608807.
Tibial muscular dystrophy (TMD). Also called: Udd Distal Myopathy – Tibial Muscular Dystrophy; UDD MYOPATHY; Tibial muscular dystrophy, tardive. Identifiers: Orphanet 609, MedGen C1838244, MONDO:0010870, OMIM 600334.
Myopathy, myofibrillar, 9, with early respiratory failure (MFM9). Also called: Hereditary myopathy with early respiratory failure; EDSTROM MYOPATHY; MYOPATHY, PROXIMAL, WITH EARLY RESPIRATORY MUSCLE INVOLVEMENT; Myopathy, distal, with early respiratory failure, autosomal dominant. Identifiers: Orphanet 178464, Orphanet 34521, MedGen C1863599, MONDO:0011362, OMIM 603689.
Hypertrophic cardiomyopathy 9. Also called: Familial hypertrophic cardiomyopathy 9. Identifiers: MedGen C1861065, MONDO:0013412, OMIM 613765.
Early-onset myopathy with fatal cardiomyopathy (CMYO5). Also called: CONGENITAL MYOPATHY 5 WITH CARDIOMYOPATHY; Salih Myopathy. Identifiers: Orphanet 289377, MedGen C2673677, MONDO:0012714, OMIM 611705. Disease mechanism: loss of function.

Allele frequency attached by ClinVar (database versions not stated): gnomAD 0.00005 and 0.00009; gnomAD exomes 0.00008 and 0.00029; TOPMed 0.00011; ExAC 0.00012; 1000 Genomes Project 30x 0.00109; 1000 Genomes Project 0.00120.
gnomAD v4.1: 130 of 1,550,024 alleles (0.0084%); highest among the groups gnomAD compares: East Asian, 0.29%; no homozygotes.

Submissions (7):

PreventionGenetics, part of Exact Sciences
Classification: Likely benign for TTN-related condition. Last evaluated: 2026-02-03. Review status: criteria provided, single submitter. Criteria: ACMG Guidelines, 2015. Collection method: clinical testing. Allele origin: germline.
Comment: This variant is classified as likely benign based on ACMG/AMP sequence variant interpretation guidelines (Richards et al. 2015 PMID: 25741868, with internal and published modifications).

Fulgent Genetics
Classification: Uncertain significance for Tibial muscular dystrophy; Myopathy, myofibrillar, 9, with early respiratory failure; Dilated cardiomyopathy 1G; Autosomal recessive limb-girdle muscular dystrophy type 2J; Early-onset myopathy with fatal cardiomyopathy; Hypertrophic cardiomyopathy 9. Last evaluated: 2022-04-22. Review status: criteria provided, single submitter. Criteria: ACMG Guidelines, 2015. Collection method: clinical testing. Allele origin: unknown.

Labcorp Genetics (formerly Invitae), Labcorp
Classification: Uncertain significance for Dilated cardiomyopathy 1G; Autosomal recessive limb-girdle muscular dystrophy type 2J. Last evaluated: 2017-09-27. Review status: criteria provided, single submitter. Criteria: Invitae Variant Classification Sherloc (09022015). Collection method: clinical testing. Allele origin: germline.

Biesecker Lab/Clinical Genomics Section, National Institutes of Health
Classification: Uncertain significance. Last evaluated: 2013-06-24. Review status: criteria provided, single submitter. Criteria: Ng et al. (Circ Cardiovasc Genet. 2013). Collection method: research. Allele origin: unknown. Observed: 1 variant allele. Study: ClinSeq.
Comment: The study set was not selected for affection status in relation to any cancer. Pathogenicity categories were based on literature curation. See Pubmed ID:23861362 for details.

Medical sequencing

Breakthrough Genomics
Classification: Uncertain significance. Review status: criteria provided, single submitter. Criteria: ACMG Guidelines, 2015. Collection method: not provided. Allele origin: germline. Inheritance: Autosomal recessive inheritance. Affected: yes.

Clinical Genetics, Academic Medical Center
Classification: Likely benign. Review status: no assertion criteria provided. Collection method: clinical testing. Allele origin: germline. Affected: yes. Study: VKGL Data-share Consensus. Not counted in ClinVar's aggregate classification.

Laboratory of Diagnostic Genome Analysis, Leiden University Medical Center (LUMC)
Classification: Likely benign. Review status: no assertion criteria provided. Collection method: clinical testing. Allele origin: germline. Affected: yes. Study: VKGL Data-share Consensus. Not counted in ClinVar's aggregate classification.

NM_001267550.2(TTN):c.39941C>A (p.Thr13314Asn)

Gene: TTN (titin; minus strand). Cytogenetic location: 2q31.2.
Variant type: single nucleotide variant.
Coding change: c.39941C>A on transcript NM_001267550.2 (MANE Select); coding-DNA position 39941, C replaced by A.
Protein change: p.Thr13314Asn; replaces threonine 13314 with asparagine.
Molecular consequence: missense variant. On other transcripts: intron variant (4).
Genome position (GRCh38, 1-based): chr2:178,649,586, G>T on the plus strand (C>A on the coding strand, the complement: TTN is on the minus strand). VCF-style: chr2-178649586-G-T. GRCh37 (hg19) VCF-style: chr2-179514313-G-T.
Other names: c.13283-7269C>A (NM_003319.4); c.13859-7269C>A (NM_133437.4); c.13658-7269C>A (NM_133432.3); c.35374+231C>A (NM_001256850.1); c.32593+231C>A (NM_133378.4); short protein forms T13314N.
Identifiers: ClinVar variation 191977 (VCV000191977.17), dbSNP rs543338451, ClinGen allele CA238010.